The following is an entry in ClinVar:

NM_004364.5(CEBPA):c.1028G>A (p.Arg343His)

Gene: CEBPA (CCAAT enhancer binding protein alpha; minus strand). Cytogenetic location: 19q13.11.
Variant type: single nucleotide variant.
Coding change: c.1028G>A on transcript NM_004364.5 (MANE Select); coding-DNA position 1028, G replaced by A.
Protein change: p.Arg343His; replaces arginine 343 with histidine.
Molecular consequence: missense variant.
Genome position (GRCh38, 1-based): chr19:33,301,387, C>T on the plus strand (G>A on the coding strand, the complement: CEBPA is on the minus strand). VCF-style: chr19-33301387-C-T. GRCh37 (hg19) VCF-style: chr19-33792293-C-T.
Other names: c.671G>A, p.Arg224His (NM_001285829.2); c.1133G>A, p.Arg378His (NM_001287424.2); c.986G>A, p.Arg329His (NM_001287435.2); short protein forms R329H, R224H, R343H, R378H.
Identifiers: ClinVar variation 1039877 (VCV001039877.7), dbSNP rs1264760427, ClinGen allele CA405273690.

ClinVar aggregate classification (germline): Uncertain significance (1 of 4 stars; one submission).

Conditions:
Acute myeloid leukemia (AML). Also called: Acute myeloid leukemia, adult; AML adult; Acute non-lymphocytic leukemia; Acute granulocytic leukemia; Leukemia, acute myelogenous, somatic; Leukemia, acute myeloid, somatic. Identifiers: Orphanet 519, MedGen C0023467, MeSH D015470, MONDO:0018874, OMIM 601626, HP:0004808. Disease mechanism: Constitutively activated FLT3.

gnomAD v4.1: 1 of 1,608,960 alleles (0.000062%); highest among the groups gnomAD compares: Non-Finnish European, 0.000085%; no homozygotes.

Submission:

Labcorp Genetics (formerly Invitae), Labcorp
Classification: Uncertain significance for Acute myeloid leukemia. Last evaluated: 2021-10-06. Review status: criteria provided, single submitter. Criteria: Invitae Variant Classification Sherloc (09022015). Collection method: clinical testing. Allele origin: germline.
Comment: This sequence change replaces arginine with histidine at codon 343 of the CEBPA protein (p.Arg343His). The arginine residue is highly conserved and there is a small physicochemical difference between arginine and histidine. This variant is not present in population databases (ExAC no frequency). This variant has not been reported in the literature in individuals affected with CEBPA-related conditions. Algorithms developed to predict the effect of missense changes on protein structure and function are either unavailable or do not agree on the potential impact of this missense change (SIFT: "Tolerated"; PolyPhen-2: "Probably Damaging"; Align-GVGD: "Class C0"). In summary, the available evidence is currently insufficient to determine the role of this variant in disease. Therefore, it has been classified as a Variant of Uncertain Significance.